The following is an entry in ClinVar:

NM_001966.4(EHHADH):c.1615C>T (p.Leu539Phe)

Gene: EHHADH (enoyl-CoA hydratase and 3-hydroxyacyl CoA dehydrogenase; minus strand). Cytogenetic location: 3q27.2.
Variant type: single nucleotide variant.
Coding change: c.1615C>T on transcript NM_001966.4 (MANE Select); coding-DNA position 1615, C replaced by T.
Protein change: p.Leu539Phe; replaces leucine 539 with phenylalanine.
Molecular consequence: missense variant.
Genome position (GRCh38, 1-based): chr3:185,192,783, G>A on the plus strand (C>T on the coding strand, the complement: EHHADH is on the minus strand). VCF-style: chr3-185192783-G-A. GRCh37 (hg19) VCF-style: chr3-184910571-G-A.
Other names: c.1327C>T, p.Leu443Phe (NM_001166415.2); short protein forms L443F, L539F.
Identifiers: ClinVar variation 2363617 (VCV002363617.3), dbSNP rs781047369, ClinGen allele CA2738946.

ClinVar aggregate classification (germline): Conflicting classifications of pathogenicity. Review status: criteria provided, conflicting classifications (1 of 4 stars). 2 submissions from 2 submitters: Uncertain significance (1); Likely benign (1). Last evaluated 2025-01-24.

Conditions:
EHHADH-related disorder. Also called: EHHADH-related condition.

Allele frequency attached by ClinVar (database versions not stated): gnomAD exomes 0.00003; ExAC 0.00004; gnomAD 0.00004; TOPMed 0.00006.
gnomAD v4.1: 51 of 1,613,932 alleles (0.0032%); highest among the groups gnomAD compares: Admixed American, 0.0083%; no homozygotes.

Submissions (2):

PreventionGenetics, part of Exact Sciences
Classification: Likely benign for EHHADH-related condition. Last evaluated: 2025-01-24. Review status: criteria provided, single submitter. Criteria: ACMG Guidelines, 2015. Collection method: clinical testing. Allele origin: germline.
Comment: This variant is classified as likely benign based on ACMG/AMP sequence variant interpretation guidelines (Richards et al. 2015 PMID: 25741868, with internal and published modifications).

Ambry Genetics
Classification: Uncertain significance. Last evaluated: 2021-06-11. Review status: criteria provided, single submitter. Criteria: Ambry Variant Classification Scheme 2023. Collection method: clinical testing. Allele origin: germline.